The following is an entry in ClinVar:

ClinVar aggregate classification (germline): Uncertain significance. Review status: criteria provided, multiple submitters, no conflicts (2 of 4 stars). 3 submissions from 3 submitters: Uncertain significance (3). Last evaluated 2025-04-19.

Conditions:
Hereditary cancer-predisposing syndrome. Also called: Tumor predisposition; Neoplastic Syndromes, Hereditary; Hereditary Cancer Syndrome; Hereditary neoplastic syndrome. Identifiers: Orphanet 140162, MedGen C0027672, MeSH D009386, MONDO:0015356.
Tietz syndrome (TADS). Also called: ALBINISM-DEAFNESS OF TIETZ; TIETZ ALBINISM-DEAFNESS SYNDROME; HYPOPIGMENTATION/DEAFNESS OF TIETZ. Identifiers: Orphanet 42665, MedGen C0391816, MONDO:0007077, OMIM 103500.
Waardenburg syndrome type 2A (WS2A). Also called: WAARDENBURG SYNDROME WITHOUT DYSTOPIA CANTHORUM. Identifiers: Orphanet 3440, MedGen C1860339, MONDO:0008671, OMIM 193510.
Melanoma, cutaneous malignant, susceptibility to, 8. Also called: MELANOMA AND RENAL CELL CARCINOMA, SUSCEPTIBILITY TO; Cutaneous malignant melanoma 8. Identifiers: Orphanet 293822, MedGen C3152204, MONDO:0013759, OMIM 614456.

gnomAD v4.1: 4 of 1,614,118 alleles (0.00025%); highest among the groups gnomAD compares: Non-Finnish European, 0.00034%; no homozygotes.

Submissions (3):

Labcorp Genetics (formerly Invitae), Labcorp
Classification: Uncertain significance for Melanoma, cutaneous malignant, susceptibility to, 8; Waardenburg syndrome type 2A; Tietz syndrome. Last evaluated: 2025-04-19. Review status: criteria provided, single submitter. Criteria: Invitae Variant Classification Sherloc (09022015). Collection method: clinical testing. Allele origin: germline.
Comment: This sequence change replaces asparagine, which is neutral and polar, with histidine, which is basic and polar, at codon 55 of the MITF protein (p.Asn55His). This variant is not present in population databases (gnomAD no frequency). This variant has not been reported in the literature in individuals affected with MITF-related conditions. ClinVar contains an entry for this variant (Variation ID: 1311330). Invitae Evidence Modeling of protein sequence and biophysical properties (such as structural, functional, and spatial information, amino acid conservation, physicochemical variation, residue mobility, and thermodynamic stability) indicates that this missense variant is not expected to disrupt MITF protein function with a negative predictive value of 80%. In summary, the available evidence is currently insufficient to determine the role of this variant in disease. Therefore, it has been classified as a Variant of Uncertain Significance.

Ambry Genetics
Classification: Uncertain significance for Hereditary cancer-predisposing syndrome. Last evaluated: 2025-02-05. Review status: criteria provided, single submitter. Criteria: Ambry Variant Classification Scheme 2023. Collection method: clinical testing. Allele origin: germline.
Comment: The p.N55H variant (also known as c.163A>C), located in coding exon 2 of the MITF gene, results from an A to C substitution at nucleotide position 163. The asparagine at codon 55 is replaced by histidine, an amino acid with similar properties. This amino acid position is conserved. In addition, this alteration is predicted to be tolerated by in silico analysis. Based on the available evidence, the clinical significance of this variant remains unclear.

GeneDx
Classification: Uncertain significance. Last evaluated: 2019-12-24. Review status: criteria provided, single submitter. Criteria: GeneDx Variant Classification Process June 2021. Collection method: clinical testing. Allele origin: germline. Affected: yes.
Comment: Not observed in large population cohorts (Lek et al., 2016); In silico analysis, which includes protein predictors and evolutionary conservation, supports that this variant does not alter protein structure/function; Has not been previously published as pathogenic or benign to our knowledge

NM_001354604.2(MITF):c.484A>C (p.Asn162His)

Gene: MITF (melanocyte inducing transcription factor; plus strand). Cytogenetic location: 3p13.
Variant type: single nucleotide variant.
Coding change: c.484A>C on transcript NM_001354604.2 (MANE Select); coding-DNA position 484, A replaced by C.
Protein change: p.Asn162His; replaces asparagine 162 with histidine.
Molecular consequence: missense variant. On other transcripts: intron variant (1).
Genome position (GRCh38, 1-based): chr3:69,937,951, A>C. VCF-style: chr3-69937951-A-C. GRCh37 (hg19) VCF-style: chr3-69987102-A-C.
Other names: c.163A>C, p.Asn55His (NM_000248.4, NM_001184968.2, NM_198158.3); c.328A>C, p.Asn110His (NM_001184967.2, NM_001354608.2); c.481A>C, p.Asn161His (NM_001354605.2, NM_001354606.2, NM_006722.3); c.433A>C, p.Asn145His (NM_001354607.2); c.484A>C, p.Asn162His (NM_198159.3); c.436A>C, p.Asn146His (NM_198177.3); c.93+70A>C (NM_198178.3); short protein forms N110H, N145H, N146H, N161H, N162H, N55H.
Identifiers: ClinVar variation 1311330 (VCV001311330.6), dbSNP rs2107479313, ClinGen allele CA353560538.
Genomic context (GRCh38, chr3:69,937,951, plus strand): 5'-TACCTTTCTACCACTTTAGCAAATAAACATGCCAACCAAGTCCTGAGCTTGCCATGTCCA[A>C]ACCAGCCTGGCGATCATGTCATGCCACCGGTGCCGGGGAGCAGCGCACCCAACAGCCCCA-3'
Protein context (NP_001341533.1, residues 152-172): ANQVLSLPCP[Asn162His]QPGDHVMPPV